The following is an entry in ClinVar:

ClinVar aggregate classification (germline): Pathogenic (1 of 4 stars; one submission).

Conditions:
Autosomal recessive nonsyndromic hearing loss 36. Also called: Deafness, autosomal recessive 36; DEAFNESS, AUTOSOMAL RECESSIVE 36, WITH VESTIBULAR INVOLVEMENT. Identifiers: Orphanet 90636, MedGen C1837007, MONDO:0012170, OMIM 609006.

Submission:

Institute of Rare Diseases, West China Hospital, Sichuan University
Classification: Pathogenic for Autosomal recessive nonsyndromic hearing loss 36. Last evaluated: 2025-01-09. Review status: criteria provided, single submitter. Criteria: ClinGen HL ACMG Specifications v1. Collection method: research. Allele origin: germline. Affected: yes.
Comment: PVS1;PM3;PM2_Supporting

NM_031475.3(ESPN):c.1995_2056del (p.Lys666fs)

Gene: ESPN (espin; plus strand). Cytogenetic location: 1p36.31.
Variant type: Deletion.
Coding change: c.1995_2056del on transcript NM_031475.3 (MANE Select); coding-DNA positions 1995 to 2056, 62 bases deleted.
Protein change: p.Lys666fs; shifts the reading frame from lysine 666.
Molecular consequence: frameshift variant.
Genome position (GRCh38, 1-based): chr1:6,451,682-6,451,743, 62 bases deleted. GRCh37 (hg19): chr1:6,511,742-6,511,803.
Other names: c.1905_1966del, p.Lys636fs (NM_001367473.1); c.1932_1993del, p.Lys645fs (NM_001367474.1); short protein forms K636fs, K645fs, K666fs.
Identifiers: ClinVar variation 3601084 (VCV003601084.1).